The following is an entry in ClinVar:

NM_000548.5(TSC2):c.4879A>G (p.Thr1627Ala)

Gene: TSC2 (TSC complex subunit 2; plus strand). Cytogenetic location: 16p13.3.
Variant type: single nucleotide variant.
Coding change: c.4879A>G on transcript NM_000548.5 (MANE Select); coding-DNA position 4879, A replaced by G.
Protein change: p.Thr1627Ala; replaces threonine 1627 with alanine.
Molecular consequence: missense variant. On other transcripts: non-coding transcript variant (4).
Genome position (GRCh38, 1-based): chr16:2,086,761, A>G. VCF-style: chr16-2086761-A-G. GRCh37 (hg19) VCF-style: chr16-2136762-A-G.
Other names: c.4660A>G, p.Thr1554Ala (NM_001406676.1); c.4621A>G, p.Thr1541Ala (NM_001406677.1); c.4567A>G, p.Thr1523Ala (NM_001406678.1); c.4531A>G, p.Thr1511Ala (NM_001406679.1); c.4279A>G, p.Thr1427Ala (NM_001406680.1); c.4219A>G, p.Thr1407Ala (NM_001406681.1); c.4210A>G, p.Thr1404Ala (NM_001406682.1, NM_001406683.1); c.4207A>G, p.Thr1403Ala (NM_001406684.1); and 26 more; short protein forms T1113A, T1135A, T1407A, T1511A, T1512A, T1524A, T1557A, T1583A.
Identifiers: ClinVar variation 3974690 (VCV003974690.1).

ClinVar aggregate classification (germline): Uncertain significance (1 of 4 stars; one submission).

Conditions:
Hereditary cancer-predisposing syndrome. Also called: Tumor predisposition; Hereditary neoplastic syndrome; Hereditary Cancer Syndrome; Neoplastic Syndromes, Hereditary. Identifiers: Orphanet 140162, MedGen C0027672, MeSH D009386, MONDO:0015356.

gnomAD v4.1: 2 of 1,611,140 alleles (0.00012%); highest among the groups gnomAD compares: Non-Finnish European, 0.00017%; no homozygotes.

Submission:

Ambry Genetics
Classification: Uncertain significance for Hereditary cancer-predisposing syndrome. Last evaluated: 2025-05-23. Review status: criteria provided, single submitter. Criteria: Ambry Variant Classification Scheme 2023. Collection method: clinical testing. Allele origin: germline.
Comment: The p.T1627A variant (also known as c.4879A>G), located in coding exon 37 of the TSC2 gene, results from an A to G substitution at nucleotide position 4879. The threonine at codon 1627 is replaced by alanine, an amino acid with similar properties. This amino acid position is conserved. In addition, this alteration is predicted to be deleterious by in silico analysis. Based on the available evidence, the clinical significance of this variant remains unclear.